The following is an entry in ClinVar:

ClinVar aggregate classification (germline): Pathogenic/Likely pathogenic. Review status: criteria provided, multiple submitters, no conflicts (2 of 4 stars). 5 submissions from 5 submitters: Pathogenic (2); Likely pathogenic (2). 1 of the submissions does not count toward it. Last evaluated 2026-07-18.

Conditions:
Achondrogenesis, type IB (ACG1B). Also called: Achondrogenesis Type 1B. Identifiers: Orphanet 932, Orphanet 93298, MedGen C0265274, MONDO:0010966, OMIM 600972.
Diastrophic dysplasia (DTD). Also called: Diastrophic dwarfism. Identifiers: Orphanet 628, MedGen C0220726, MONDO:0009107, OMIM 222600.
Multiple epiphyseal dysplasia type 4 (EDM4). Also called: SLC26A2-Related Multiple Epiphyseal Dysplasia; Multiple Epiphyseal Dysplasia, Recessive; MULTIPLE EPIPHYSEAL DYSPLASIA WITH BILAYERED PATELLAE; MULTIPLE EPIPHYSEAL DYSPLASIA WITH CLUBFOOT; MULTIPLE EPIPHYSEAL DYSPLASIA, AUTOSOMAL RECESSIVE. Identifiers: Orphanet 93307, MedGen C1847593, MONDO:0009189, OMIM 226900.
Atelosteogenesis type II (AO2). Also called: Neonatal osseous dysplasia 1; SLC26A2-Related Atelosteogenesis; NEONATAL OSSEOUS DYSPLASIA I. Identifiers: Orphanet 56304, MedGen C1850554, MONDO:0009727, OMIM 256050.
SLC26A2-related disorder. Also called: SLC26A2-related disorders; SLC26A2-related condition. Identifiers: MedGen CN239404.

Allele frequency attached by ClinVar (database versions not stated): ExAC 0.00002; gnomAD exomes 0.00002 and 0.00003; TOPMed 0.00002; gnomAD 0.00006; ESP Exome Variant Server 0.00015.

Submissions (5):

PreventionGenetics, part of Exact Sciences
Classification: Likely pathogenic for SLC26A2-related condition. Last evaluated: 2026-07-18. Review status: criteria provided, single submitter. Criteria: ACMG Guidelines, 2015. Collection method: clinical testing. Allele origin: germline.
Comment: The SLC26A2 c.1994A>C variant is predicted to result in the amino acid substitution p.His665Pro. This variant has been reported in an individual with atelosteogenesis type 2, without indication of zygosity or whether a second SLC26A2 variant was detected (Rossi et al. 2001. PubMed ID: 11241838). This variant has been reported along with a second causative SLC26A2 variant in three individuals with diastrophic dysplasia (Paganini et al. 2023. PubMed ID: 37454964). This variant has also been reported in the confirmed compound heterozygous state in two siblings with multiple epiphyseal dysplasia type 4 (Meeting abstract, Patterson and Fong. 2024. doi: 10.1016/j.gimo.2024.101314). This variant is present in 0.0054% of alleles in individuals of European (non-Finnish) descent in gnomAD and is interpreted as likely pathogenic/pathogenic in ClinVar (Variation ID: 555846). Given the evidence, we interpret this variant as likely pathogenic.

Laboratory of Functional Genomics, Research Centre for Medical Genetics
Classification: Pathogenic for Multiple epiphyseal dysplasia type 4. Last evaluated: 2025-11-25. Review status: criteria provided, single submitter. Criteria: ACMG Guidelines, 2015. Collection method: clinical testing. Allele origin: germline. Inheritance: Autosomal recessive inheritance. Affected: yes. Observed: 1 variant allele.
Comment: This variant is present in the gnomAD v4.1.0 database with a total AF of 3.47e-5 (56/1614024 alleles). Furthermore, this variant was reported by Rossi et al., 2001 in a patient with AO2; however, the second allele in that case is unknown. Additionally, it was found in a compound heterozygous state with p.Arg279Trp in two patients with mild DTD (Paganini et al., 2023).

Natera, Inc.
Classification: Likely pathogenic for Achondrogenesis type IB. Last evaluated: 2025-09-28. Review status: criteria provided, single submitter. Criteria: Natera Variant Classification Schema (03/2026). Collection method: clinical testing. Allele origin: germline.
Comment: The c.1994A>C variant in SLC26A2 is a missense variant predicted to cause substitution of histidine to proline at amino acid 665. This variant is rare in the general population with a frequency below the threshold expected for the associated phenotype(s). This variant has been observed in one or more individuals affected with the associated recessive disease, as either homozygous or compound heterozygous with a second variant (PMID: 37454964). Multiple computational prediction algorithms suggest this variant is unlikely to affect gene or protein function. Given the available evidence, this variant is classified as Likely Pathogenic.

Labcorp Genetics (formerly Invitae), Labcorp
Classification: Pathogenic for Atelosteogenesis type II; Multiple epiphyseal dysplasia type 4; Achondrogenesis, type IB; Diastrophic dysplasia. Last evaluated: 2024-11-06. Review status: criteria provided, single submitter. Criteria: Invitae Variant Classification Sherloc (09022015). Collection method: clinical testing. Allele origin: germline.
Comment: This sequence change replaces histidine, which is basic and polar, with proline, which is neutral and non-polar, at codon 665 of the SLC26A2 protein (p.His665Pro). This variant is present in population databases (rs141798540, gnomAD 0.006%). This missense change has been observed in individual(s) with diastrophic dysplasia (internal data). In at least one individual the data is consistent with being in trans (on the opposite chromosome) from a pathogenic variant. It has also been observed to segregate with disease in related individuals. ClinVar contains an entry for this variant (Variation ID: 555846). Invitae Evidence Modeling of protein sequence and biophysical properties (such as structural, functional, and spatial information, amino acid conservation, physicochemical variation, residue mobility, and thermodynamic stability) indicates that this missense variant is not expected to disrupt SLC26A2 protein function with a negative predictive value of 80%. For these reasons, this variant has been classified as Pathogenic.

Counsyl
Classification: Uncertain significance for Multiple epiphyseal dysplasia type 4. Last evaluated: 2017-12-28. Review status: no assertion criteria provided. Collection method: clinical testing. Allele origin: unknown. Not counted in ClinVar's aggregate classification.

Literature cited by the submitters: PubMed 11241838 (cited by Laboratory of Functional Genomics, Research Centre for Medical Genetics and Counsyl); PubMed 37454964 (cited by Laboratory of Functional Genomics, Research Centre for Medical Genetics and Natera, Inc.).

NM_000112.4(SLC26A2):c.1994A>C (p.His665Pro)

Gene: SLC26A2 (solute carrier family 26 member 2; plus strand). Cytogenetic location: 5q32.
Variant type: single nucleotide variant.
Coding change: c.1994A>C on transcript NM_000112.4 (MANE Select); coding-DNA position 1994, A replaced by C.
Protein change: p.His665Pro; replaces histidine 665 with proline.
Molecular consequence: missense variant.
Genome position (GRCh38, 1-based): chr5:149,981,587, A>C. VCF-style: chr5-149981587-A-C. GRCh37 (hg19) VCF-style: chr5-149361150-A-C.
Other names: short protein forms H665P.
Identifiers: ClinVar variation 555846 (VCV000555846.10), dbSNP rs141798540, ClinGen allele CA3505527.